The following is an entry in ClinVar:

ClinVar aggregate classification (germline): Uncertain significance. Review status: criteria provided, multiple submitters, no conflicts (2 of 4 stars). 2 submissions from 2 submitters: Uncertain significance (2). Last evaluated 2025-10-11.

Conditions:
C3 glomerulonephritis. Also called: Nephropathy due to CFHR5 Deficiency; C3 GLOMERULOPATHY 3. Identifiers: Orphanet 329931, MedGen C4055342, MONDO:0013892, OMIM 614809.

Submissions (2):

Mayo Clinic Laboratories, Mayo Clinic
Classification: Uncertain significance. Last evaluated: 2025-10-11. Review status: criteria provided, single submitter. Criteria: ACMG Guidelines, 2015. Collection method: clinical testing. Allele origin: germline. Observed: 1 variant allele.
Comment: BP1

Fulgent Genetics
Classification: Uncertain significance for C3 glomerulonephritis. Last evaluated: 2024-06-10. Review status: criteria provided, single submitter. Criteria: ACMG Guidelines, 2015. Collection method: clinical testing. Allele origin: germline.

NM_030787.4(CFHR5):c.1508G>A (p.Cys503Tyr)

Gene: CFHR5 (complement factor H related 5; plus strand). Cytogenetic location: 1q31.3.
Variant type: single nucleotide variant.
Coding change: c.1508G>A on transcript NM_030787.4 (MANE Select); coding-DNA position 1508, G replaced by A.
Protein change: p.Cys503Tyr; replaces cysteine 503 with tyrosine.
Molecular consequence: missense variant.
Genome position (GRCh38, 1-based): chr1:197,004,838, G>A. VCF-style: chr1-197004838-G-A. GRCh37 (hg19) VCF-style: chr1-196973968-G-A.
Other names: p.Cys503Tyr; short protein forms C503Y.
Identifiers: ClinVar variation 3576155 (VCV003576155.2).